The following is an entry in ClinVar:

ClinVar aggregate classification (germline): Likely pathogenic (1 of 4 stars; one submission).

Conditions:
WDR4-related disorder. Also called: WDR4-Related Disorders; WDR4-related condition.

Submission:

Women's Health and Genetics/Laboratory Corporation of America, LabCorp
Classification: Likely pathogenic for WDR4-Related Disorders. Last evaluated: 2024-05-28. Review status: criteria provided, single submitter. Criteria: LabCorp Variant Classification Summary - May 2015. Collection method: clinical testing. Allele origin: germline.
Comment: Variant summary: WDR4 c.453+2_453+8delinsCAGGTGT variant alters nucleotides located in canonical splice-site and close to it and is predicted to affect mRNA splicing resulting in a significantly altered protein due to either exon skipping, shortening, or inclusion of intronic material. Several computational tools predict a significant impact on normal splicing: One predict the variant weakens a 5' donor site. Three predict the variant abolishes a 5' splicing donor site. Two predict the variant strengthens a cryptic 5' donor site. However, these predictions have yet to be confirmed by functional studies. The variant was absent in 1607580 control chromosomes (gnomAD). To our knowledge, no occurrence of c.453+2_453+8delinsCAGGTGT in individuals affected with WDR4-Related Disorders and no experimental evidence demonstrating its impact on protein function have been reported. No submitters have cited clinical-significance assessments for this variant to ClinVar. Based on the evidence outlined above, the variant was classified as likely pathogenic.

NM_018669.6(WDR4):c.453+2_453+8delinsCAGGTGT

Gene: WDR4 (WD repeat domain 4; minus strand). Cytogenetic location: 21q22.3.
Variant type: Indel.
Coding change: c.453+2_453+8delinsCAGGTGT on transcript NM_018669.6 (MANE Select); the canonical splice donor site of the intron after coding-DNA position 453 through 8 bases into the intron after coding-DNA position 453, TAGGTGG replaced by CAGGTGT.
Molecular consequence: splice donor variant.
Genome position (GRCh38, 1-based): chr21:42,863,432-42,863,438, CCACCTA replaced by ACACCTG on the plus strand (TAGGTGG replaced by CAGGTGT on the coding strand, the reverse complement: WDR4 is on the minus strand). VCF-style: chr21-42863432-CCACCTA-ACACCTG. GRCh37 (hg19) VCF-style: chr21-44283542-CCACCTA-ACACCTG.
Other names: c.453+2_453+8delinsCAGGTGT (NM_033661.5, NM_001260474.2); c.15+2_15+8delinsCAGGTGT (NM_001260476.2, NM_001260475.2, NM_001260477.2).
Identifiers: ClinVar variation 3336333 (VCV003336333.1).